The following is an entry in ClinVar:

ClinVar aggregate classification (germline): Uncertain significance (1 of 4 stars; one submission).

Conditions:
Pheochromocytoma. Also called: MAX-Related Hereditary Paraganglioma-Pheochromocytoma Syndrome. Identifiers: Orphanet 29072, MedGen C0031511, MONDO:0008233, OMIM 171300, HP:0002666.
Pheochromocytoma/paraganglioma syndrome 4. Also called: CAROTID BODY TUMORS AND MULTIPLE EXTRAADRENAL PHEOCHROMOCYTOMAS; PARAGANGLIOMA, FAMILIAL MALIGNANT; PARAGANGLIOMAS, HEREDITARY EXTRAADRENAL; PHEOCHROMOCYTOMA, FAMILIAL EXTRAADRENAL; Paragangliomas 4; SDHB-Related Hereditary Paraganglioma-Pheochromocytoma Syndrome (Paragangliomas 4). Identifiers: Orphanet 29072, MedGen C1861848, MONDO:0007273, OMIM 115310.
Gastrointestinal stromal tumor. Also called: Gastrointestinal stromal tumor, somatic; Gastrointestinal stroma tumor. Identifiers: Orphanet 44890, MedGen C0238198, MeSH D046152, MONDO:0011719, OMIM 606764, HP:0100723.

Submission:

Labcorp Genetics (formerly Invitae), Labcorp
Classification: Uncertain significance for Gastrointestinal stromal tumor; Pheochromocytoma/paraganglioma syndrome 4; Pheochromocytoma. Last evaluated: 2025-04-14. Review status: criteria provided, single submitter. Criteria: Invitae Variant Classification Sherloc (09022015). Collection method: clinical testing. Allele origin: germline.
Comment: This sequence change replaces asparagine, which is neutral and polar, with histidine, which is basic and polar, at codon 122 of the SDHB protein (p.Asn122His). This variant is not present in population databases (gnomAD no frequency). This variant has not been reported in the literature in individuals affected with SDHB-related conditions. ClinVar contains an entry for this variant (Variation ID: 3760733). Invitae Evidence Modeling of protein sequence and biophysical properties (such as structural, functional, and spatial information, amino acid conservation, physicochemical variation, residue mobility, and thermodynamic stability) indicates that this missense variant is not expected to disrupt SDHB protein function with a negative predictive value of 80%. In summary, the available evidence is currently insufficient to determine the role of this variant in disease. Therefore, it has been classified as a Variant of Uncertain Significance.

NM_003000.3(SDHB):c.364A>C (p.Asn122His)

Gene: SDHB (succinate dehydrogenase complex iron sulfur subunit B; minus strand). Cytogenetic location: 1p36.13.
Variant type: single nucleotide variant.
Coding change: c.364A>C on transcript NM_003000.3 (MANE Select); coding-DNA position 364, A replaced by C.
Protein change: p.Asn122His; replaces asparagine 122 with histidine.
Molecular consequence: missense variant.
Genome position (GRCh38, 1-based): chr1:17,028,659, T>G on the plus strand (A>C on the coding strand, the complement: SDHB is on the minus strand). VCF-style: chr1-17028659-T-G. GRCh37 (hg19) VCF-style: chr1-17355154-T-G.
Other names: c.364A>C, p.Asn122His (NM_001407361.1); short protein forms N122H.
Identifiers: ClinVar variation 3760733 (VCV003760733.2).
Genomic context (GRCh38, chr1:17,028,659, plus strand): 5'-CGGGAACAAGATCCTTTATCACATACATGTGTGGAAGAGGGTAGATTTTTGAGACCTTAT[T>G]GAGGTTGGTGTCAATCCTTCGGGTGCAAGCTAGAGTGTTGCCTCCATTGATGTTCATTGC-3'
Protein context (NP_002991.2, residues 112-132): ACTRRIDTNL[Asn122His]KVSKIYPLPH